The following is an entry in ClinVar:

ClinVar aggregate classification (germline): Uncertain significance. Review status: criteria provided, multiple submitters, no conflicts (2 of 4 stars). 3 submissions from 3 submitters: Uncertain significance (3). Last evaluated 2025-09-19.

Conditions:
Ataxia-telangiectasia syndrome (AT). Also called: LOUIS-BAR SYNDROME; Cerebello-oculocutaneous telangiectasia; Immunodeficiency with ataxia telangiectasia; Ataxia-telangiectasia, complementation group D; AT, COMPLEMENTATION GROUP C; ATAXIA-TELANGIECTASIA, COMPLEMENTATION GROUP A. Identifiers: Orphanet 100, MedGen C0004135, MONDO:0008840, OMIM 208900.
Hereditary cancer-predisposing syndrome. Also called: Neoplastic Syndromes, Hereditary; Tumor predisposition; Hereditary Cancer Syndrome; Hereditary neoplastic syndrome. Identifiers: Orphanet 140162, MedGen C0027672, MeSH D009386, MONDO:0015356.
Familial cancer of breast. Also called: BREAST CANCER, FAMILIAL; Hereditary breast cancer; hereditary breast carcinoma. Identifiers: Orphanet 227535, MedGen C0346153, MONDO:0016419, OMIM 114480. Disease mechanism: loss of function.

Allele frequency attached by ClinVar (database versions not stated): gnomAD exomes below 0.00001.
gnomAD v4.1: 3 of 1,577,956 alleles (0.00019%); highest among the groups gnomAD compares: Non-Finnish European, 0.00017%; no homozygotes.

Submissions (3):

Ambry Genetics
Classification: Uncertain significance for Hereditary cancer-predisposing syndrome. Last evaluated: 2025-09-19. Review status: criteria provided, single submitter. Criteria: Ambry Variant Classification Scheme 2023. Collection method: clinical testing. Allele origin: germline.
Comment: The p.N1549D variant (also known as c.4645A>G), located in coding exon 30 of the ATM gene, results from an A to G substitution at nucleotide position 4645. The asparagine at codon 1549 is replaced by aspartic acid, an amino acid with highly similar properties. This amino acid position is well conserved in available vertebrate species. In addition, this alteration is predicted to be tolerated by in silico analysis. Since supporting evidence is limited at this time, the clinical significance of this alteration remains unclear.

Labcorp Genetics (formerly Invitae), Labcorp
Classification: Uncertain significance for Ataxia-telangiectasia syndrome. Last evaluated: 2025-03-31. Review status: criteria provided, single submitter. Criteria: Invitae Variant Classification Sherloc (09022015). Collection method: clinical testing. Allele origin: germline.
Comment: This sequence change replaces asparagine, which is neutral and polar, with aspartic acid, which is acidic and polar, at codon 1549 of the ATM protein (p.Asn1549Asp). This variant is present in population databases (no rsID available, gnomAD 0.0009%). This variant has not been reported in the literature in individuals affected with ATM-related conditions. ClinVar contains an entry for this variant (Variation ID: 1742147). Invitae Evidence Modeling of protein sequence and biophysical properties (such as structural, functional, and spatial information, amino acid conservation, physicochemical variation, residue mobility, and thermodynamic stability) indicates that this missense variant is not expected to disrupt ATM protein function with a negative predictive value of 95%. In summary, the available evidence is currently insufficient to determine the role of this variant in disease. Therefore, it has been classified as a Variant of Uncertain Significance.

Baylor Genetics
Classification: Uncertain significance for Familial cancer of breast. Last evaluated: 2024-02-13. Review status: criteria provided, single submitter. Criteria: ACMG Guidelines, 2015. Collection method: clinical testing. Allele origin: unknown.

NM_000051.4(ATM):c.4645A>G (p.Asn1549Asp)

Gene: ATM (ATM serine/threonine kinase; plus strand). Cytogenetic location: 11q22.3.
Variant type: single nucleotide variant.
Coding change: c.4645A>G on transcript NM_000051.4 (MANE Select); coding-DNA position 4645, A replaced by G.
Protein change: p.Asn1549Asp; replaces asparagine 1549 with aspartic acid.
Molecular consequence: missense variant.
Genome position (GRCh38, 1-based): chr11:108,293,346, A>G. VCF-style: chr11-108293346-A-G. GRCh37 (hg19) VCF-style: chr11-108164073-A-G.
Other names: c.4645A>G, p.Asn1549Asp (NM_001351834.2); short protein forms N1549D.
Identifiers: ClinVar variation 1742147 (VCV001742147.9), dbSNP rs1311437269, ClinGen allele CA382534636.